The following is an entry in ClinVar:

NM_001142800.2(EYS):c.7550_7554del (p.Gly2517fs)

Gene: EYS (EGF-like photoreceptor maintenance factor; minus strand). Cytogenetic location: 6q12.
Variant type: Deletion.
Coding change: c.7550_7554del on transcript NM_001142800.2 (MANE Select); coding-DNA positions 7550 to 7554, 5 bases deleted (GCAAG; older notation c.7550_7554delGCAAG).
Protein change: p.Gly2517fs; shifts the reading frame from glycine 2517.
Molecular consequence: frameshift variant.
Genome position (GRCh38, 1-based): chr6:63,789,082-63,789,086, CTTGC deleted on the plus strand (GCAAG on the coding strand, the reverse complement: EYS is on the minus strand); deleting any 5 consecutive bases within chr6:63,789,082-63,789,087 gives the same sequence; the c. name uses the placement nearest the transcript's 3' end. VCF-style (leftmost placement, unchanged base first): chr6-63789081-ACTTGC-A. GRCh37 (hg19) VCF-style: chr6-64498974-ACTTGC-A.
Other names: c.7550_7554del, p.Gly2517fs (NM_001292009.2); short protein forms G2517fs.
Identifiers: ClinVar variation 2010502 (VCV002010502.4), dbSNP rs2533541919, ClinGen allele CA2580075623.

ClinVar aggregate classification (germline): Pathogenic (1 of 4 stars; one submission).

Submission:

Labcorp Genetics (formerly Invitae), Labcorp
Classification: Pathogenic. Last evaluated: 2022-06-25. Review status: criteria provided, single submitter. Criteria: Invitae Variant Classification Sherloc (09022015). Collection method: clinical testing. Allele origin: germline.
Comment: This sequence change creates a premature translational stop signal (p.Gly2517Valfs*11) in the EYS gene. It is expected to result in an absent or disrupted protein product. Loss-of-function variants in EYS are known to be pathogenic (PMID: 18836446, 20333770). This variant is not present in population databases (gnomAD no frequency). This variant has not been reported in the literature in individuals affected with EYS-related conditions. For these reasons, this variant has been classified as Pathogenic.

Literature cited by the submitters: PubMed 18836446; PubMed 20333770.